The following is an entry in ClinVar:

NM_001267550.2(TTN):c.85755T>A (p.Tyr28585Ter)

Genes: TTN (titin; minus strand), TTN-AS1 (TTN antisense RNA 1; plus strand). Cytogenetic location: 2q31.2.
Variant type: single nucleotide variant.
Coding change: c.85755T>A on transcript NM_001267550.2 (MANE Select); coding-DNA position 85755, T replaced by A.
Protein change: p.Tyr28585Ter; replaces tyrosine 28585 with a stop codon.
Molecular consequence: nonsense.
Genome position (GRCh38, 1-based): chr2:178,560,377, A>T on the plus strand (T>A on the coding strand, the complement: TTN is on the minus strand). VCF-style: chr2-178560377-A-T. GRCh37 (hg19) VCF-style: chr2-179425104-A-T.
Other names: c.80832T>A, p.Tyr26944Ter (NM_001256850.1); c.58560T>A, p.Tyr19520Ter (NM_003319.4); c.78051T>A, p.Tyr26017Ter (NM_133378.4); c.58935T>A, p.Tyr19645Ter (NM_133432.3); c.59136T>A, p.Tyr19712Ter (NM_133437.4); short protein forms Y28585*, Y26944*, Y19520*, Y19645*, Y19712*, Y26017*.
Identifiers: ClinVar variation 535042 (VCV000535042.9), dbSNP rs1553562490, ClinGen allele CA349548137.

ClinVar aggregate classification (germline): Likely pathogenic (1 of 4 stars; one submission).

Conditions:
Autosomal recessive limb-girdle muscular dystrophy type 2J (LGMDR10). Also called: Limb-girdle muscular dystrophy, type 2J; MUSCULAR DYSTROPHY, LIMB-GIRDLE, AUTOSOMAL RECESSIVE 10. Identifiers: Orphanet 140922, MedGen C1837342, MONDO:0012127, OMIM 608807.
Dilated cardiomyopathy 1G (CMD1G). Identifiers: Orphanet 154, MedGen C1858763, MONDO:0011400, OMIM 604145.

Submission:

Labcorp Genetics (formerly Invitae), Labcorp
Classification: Likely pathogenic for Dilated cardiomyopathy 1G; Autosomal recessive limb-girdle muscular dystrophy type 2J. Last evaluated: 2017-11-16. Review status: criteria provided, single submitter. Criteria: Invitae Variant Classification Sherloc (09022015). Collection method: clinical testing. Allele origin: germline.
Comment: In summary, the currently available evidence indicates that the variant is pathogenic, but additional data are needed to prove that conclusively. Therefore, this variant has been classified as Likely Pathogenic. This variant is found in the A-band of this gene. While this particular variant has not been reported in the literature, truncating variants in the A-band of TTN are significantly overrepresented in patients with dilated cardiomyopathy and are considered to be likely pathogenic for the disease (PMID: 25589632). This variant is not present in population databases (ExAC no frequency). This sequence change creates a premature translational stop signal (p.Tyr28585*) in the TTN gene. It is expected to result in an absent or disrupted protein product.

Literature cited by the submitters: PubMed 25589632.